The following is an entry in ClinVar:

ClinVar aggregate classification (germline): Pathogenic. Review status: criteria provided, multiple submitters, no conflicts (2 of 4 stars). 3 submissions from 3 submitters: Pathogenic (2). 1 of the submissions does not count toward it. Last evaluated 2023-10-18.

Conditions:
Marfan syndrome (MFS). Also called: Marfan syndrome type 1; Marfan syndrome, classic; Marfan's syndrome; FBN1-Related Marfan Syndrome; MARFAN SYNDROME, TYPE I. Identifiers: Orphanet 284963, Orphanet 558, MedGen C0024796, MONDO:0007947, OMIM 154700.
Familial thoracic aortic aneurysm and aortic dissection (TAAD). Also called: Thoracic aortic aneurysms and dissections. Identifiers: Orphanet 91387, MedGen C4707243, MONDO:0019625.

Submissions (3):

GeneDx
Classification: Pathogenic. Last evaluated: 2023-10-18. Review status: criteria provided, single submitter. Criteria: GeneDx Variant Classification Process June 2021. Collection method: clinical testing. Allele origin: germline. Affected: yes.
Comment: Reported in association with a Marfan syndrome phenotype in a patient in the published literature, though specific clinical details and segregation data were not provided (Aalberts et al., 2014); Nonsense variant predicted to result in protein truncation or nonsense mediated decay in a gene for which loss of function is a known mechanism of disease; Not observed at significant frequency in large population cohorts (gnomAD); This variant is associated with the following publications: (PMID: 24161884)

Labcorp Genetics (formerly Invitae), Labcorp
Classification: Pathogenic for Marfan syndrome; Familial thoracic aortic aneurysm and aortic dissection. Last evaluated: 2023-04-06. Review status: criteria provided, single submitter. Criteria: Invitae Variant Classification Sherloc (09022015). Collection method: clinical testing. Allele origin: germline.
Comment: For these reasons, this variant has been classified as Pathogenic. ClinVar contains an entry for this variant (Variation ID: 549208). This premature translational stop signal has been observed in individual(s) with Marfan syndrome (PMID: 24161884). This variant is not present in population databases (gnomAD no frequency). This sequence change creates a premature translational stop signal (p.Cys136*) in the FBN1 gene. It is expected to result in an absent or disrupted protein product. Loss-of-function variants in FBN1 are known to be pathogenic (PMID: 17657824, 19293843).

Center for Medical Genetics Ghent, University of Ghent
Classification: Pathogenic for Marfan syndrome. Last evaluated: 2017-11-07. Review status: no assertion criteria provided. Collection method: clinical testing. Allele origin: germline. Affected: yes. Not counted in ClinVar's aggregate classification.

Literature cited by the submitters: PubMed 24161884 (cited by Labcorp Genetics (formerly Invitae), Labcorp); PubMed 17657824 (cited by Labcorp Genetics (formerly Invitae), Labcorp); PubMed 19293843 (cited by Labcorp Genetics (formerly Invitae), Labcorp).

NM_000138.5(FBN1):c.408C>A (p.Cys136Ter)

Gene: FBN1 (fibrillin 1; minus strand). Cytogenetic location: 15q21.1.
Variant type: single nucleotide variant.
Coding change: c.408C>A on transcript NM_000138.5 (MANE Select); coding-DNA position 408, C replaced by A.
Protein change: p.Cys136Ter; replaces cysteine 136 with a stop codon.
Molecular consequence: nonsense.
Genome position (GRCh38, 1-based): chr15:48,600,173, G>T on the plus strand (C>A on the coding strand, the complement: FBN1 is on the minus strand). VCF-style: chr15-48600173-G-T. GRCh37 (hg19) VCF-style: chr15-48892370-G-T.
Other names: short protein forms C136*.
Identifiers: ClinVar variation 549208 (VCV000549208.5), dbSNP rs1555405039, ClinGen allele CA392446505.